The following is an entry in ClinVar:

NM_138370.3(PKDCC):c.754C>T (p.Arg252Ter)

Gene: PKDCC (protein kinase domain containing, cytoplasmic; plus strand). Cytogenetic location: 2p21.
Variant type: single nucleotide variant.
Coding change: c.754C>T on transcript NM_138370.3 (MANE Select); coding-DNA position 754, C replaced by T.
Protein change: p.Arg252Ter; replaces arginine 252 with a stop codon.
Molecular consequence: nonsense.
Genome position (GRCh38, 1-based): chr2:42,053,353, C>T. VCF-style: chr2-42053353-C-T. GRCh37 (hg19) VCF-style: chr2-42280493-C-T.
Other names: short protein forms R252*.
Identifiers: ClinVar variation 3775649 (VCV003775649.1).
Genomic context (GRCh38, chr2:42,053,353, plus strand): 5'-ATCACGGAGCTGGGCGCCCCTGTAGAAATGATCCAGCTGCTGCAAACTTCCTGGGAGGAT[C>T]GATTCCGAGTGAGCTCAGAGGAGGGCTCGGGCCCTGGGCTCCTTGCTAGGATGGTTCTGC-3'

ClinVar aggregate classification (germline): Pathogenic (1 of 4 stars; one submission).

Conditions:
Rhizomelic limb shortening with dysmorphic features. Identifiers: MedGen C5394173, MONDO:0032935, OMIM 618821.

gnomAD v4.1: 2 of 1,611,896 alleles (0.00012%); highest among the groups gnomAD compares: Non-Finnish European, 0.00017%; no homozygotes.

Submission:

3billion
Classification: Pathogenic for Rhizomelic limb shortening with dysmorphic features. Last evaluated: 2023-09-27. Review status: criteria provided, single submitter. Criteria: ACMG Guidelines, 2015. Collection method: clinical testing. Allele origin: germline. Affected: yes.
Comment: The variant is observed at an extremely low frequency in the gnomAD v2.1.1 dataset (total allele frequency: 0.000%). Predicted Consequence/Location: Stop-gained (nonsense): predicted to result in a loss or disruption of normal protein function through nonsense-mediated decay (NMD) or protein truncation. Multiple pathogenic variants are reported downstream of the variant. Therefore, this variant is classified as Pathogenic according to the recommendation of ACMG/AMP guideline.